The following is an entry in ClinVar:

ClinVar aggregate classification (germline): Uncertain significance (1 of 4 stars; one submission).

Conditions:
Hereditary cancer-predisposing syndrome. Also called: Tumor predisposition; Hereditary Cancer Syndrome; Hereditary neoplastic syndrome; Neoplastic Syndromes, Hereditary. Identifiers: Orphanet 140162, MedGen C0027672, MeSH D009386, MONDO:0015356.

Submission:

Ambry Genetics
Classification: Uncertain significance for Hereditary cancer-predisposing syndrome. Last evaluated: 2023-07-17. Review status: criteria provided, single submitter. Criteria: Ambry Variant Classification Scheme 2023. Collection method: clinical testing. Allele origin: germline.
Comment: The p.S827N variant (also known as c.2480G>A), located in coding exon 15 of the PTCH1 gene, results from a G to A substitution at nucleotide position 2480. The serine at codon 827 is replaced by asparagine, an amino acid with highly similar properties. This amino acid position is not well conserved in available vertebrate species. In addition, this alteration is predicted to be tolerated by in silico analysis. Since supporting evidence is limited at this time, the clinical significance of this alteration remains unclear.

NM_000264.5(PTCH1):c.2480G>A (p.Ser827Asn)

Genes: PTCH1 (patched 1; minus strand), LOC100507346 (uncharacterized LOC100507346; plus strand). Cytogenetic location: 9q22.32.
Variant type: single nucleotide variant.
Coding change: c.2480G>A on transcript NM_000264.5 (MANE Select); coding-DNA position 2480, G replaced by A.
Protein change: p.Ser827Asn; replaces serine 827 with asparagine.
Molecular consequence: missense variant. On other transcripts: non-coding transcript variant (2).
Genome position (GRCh38, 1-based): chr9:95,467,196, C>T on the plus strand (G>A on the coding strand, the complement: PTCH1 is on the minus strand). VCF-style: chr9-95467196-C-T. GRCh37 (hg19) VCF-style: chr9-98229478-C-T.
Other names: c.2282G>A, p.Ser761Asn (NM_001083602.3); c.2477G>A, p.Ser826Asn (NM_001083603.3); c.2027G>A, p.Ser676Asn (NM_001083604.3, NM_001083605.3, NM_001083606.3 and 1 more transcripts); c.2324G>A, p.Ser775Asn (NM_001354918.2); short protein forms S775N, S761N, S826N, S827N, S676N.
Identifiers: ClinVar variation 2626217 (VCV002626217.2), dbSNP rs2117953789, ClinGen allele CA374113999.